The following is an entry in ClinVar:

ClinVar aggregate classification (germline): Uncertain significance (1 of 4 stars; one submission).

Conditions:
Neurofibromatosis, type 1 (NF1). Also called: Peripheral type neurofibromatosis; VON RECKLINGHAUSEN DISEASE; NEUROFIBROMATOSIS, TYPE I, SOMATIC; Neurofibromatosis, type I. Identifiers: Orphanet 636, MedGen C0027831, MONDO:0018975, OMIM 162200. Disease mechanism: loss of function.

Allele frequency attached by ClinVar (database versions not stated): gnomAD 0.00001.
gnomAD v4.1: 1 of 1,613,966 alleles (0.000062%); highest among the groups gnomAD compares: Non-Finnish European, 0.000085%; no homozygotes.

Submission:

Labcorp Genetics (formerly Invitae), Labcorp
Classification: Uncertain significance for Neurofibromatosis, type 1. Last evaluated: 2024-01-29. Review status: criteria provided, single submitter. Criteria: Invitae Variant Classification Sherloc (09022015). Collection method: clinical testing. Allele origin: germline.
Comment: This sequence change replaces threonine, which is neutral and polar, with isoleucine, which is neutral and non-polar, at codon 2762 of the NF1 protein (p.Thr2762Ile). This variant is present in population databases (no rsID available, gnomAD 0.007%). This variant has not been reported in the literature in individuals affected with NF1-related conditions. Advanced modeling of protein sequence and biophysical properties (such as structural, functional, and spatial information, amino acid conservation, physicochemical variation, residue mobility, and thermodynamic stability) has been performed at Invitae for this missense variant, however the output from this modeling did not meet the statistical confidence thresholds required to predict the impact of this variant on NF1 protein function. In summary, the available evidence is currently insufficient to determine the role of this variant in disease. Therefore, it has been classified as a Variant of Uncertain Significance.

NM_001042492.3(NF1):c.8348C>T (p.Thr2783Ile)

Gene: NF1 (neurofibromin 1; plus strand). Cytogenetic location: 17q11.2.
Variant type: single nucleotide variant.
Coding change: c.8348C>T on transcript NM_001042492.3 (MANE Select); coding-DNA position 8348, C replaced by T.
Protein change: p.Thr2783Ile; replaces threonine 2783 with isoleucine.
Molecular consequence: missense variant.
Genome position (GRCh38, 1-based): chr17:31,360,674, C>T. VCF-style: chr17-31360674-C-T. GRCh37 (hg19) VCF-style: chr17-29687692-C-T.
Other names: c.8285C>T, p.Thr2762Ile (NM_000267.4); short protein forms T2783I, T2762I.
Identifiers: ClinVar variation 2712216 (VCV002712216.3), dbSNP rs1190137765, ClinGen allele CA399205059.